The following is an entry in ClinVar:

NM_005527.4(HSPA1L):c.220del (p.Arg74fs)

Gene: HSPA1L (heat shock protein family A (Hsp70) member 1 like; minus strand). Cytogenetic location: 6p21.33.
Variant type: Deletion.
Coding change: c.220del on transcript NM_005527.4 (MANE Select); coding-DNA position 220, one base deleted (C; older notation c.220delC).
Protein change: p.Arg74fs; shifts the reading frame from arginine 74.
Molecular consequence: frameshift variant.
Genome position (GRCh38, 1-based): chr6:31,811,753, G deleted on the plus strand (C on the coding strand, the reverse complement: HSPA1L is on the minus strand). VCF-style (leftmost placement, unchanged base first): chr6-31811752-CG-C. GRCh37 (hg19) VCF-style: chr6-31779529-CG-C.
Other names: short protein forms R74fs.
Identifiers: ClinVar variation 3030089 (VCV003030089.2), dbSNP rs771276249, ClinGen allele CA3724103.

ClinVar aggregate classification (germline): Uncertain significance (0 of 4 stars; one submission).

Conditions:
HSPA1L-related disorder. Also called: HSPA1L-related condition.

Allele frequency attached by ClinVar (database versions not stated): ExAC 0.00001; gnomAD exomes 0.00001; ESP Exome Variant Server 0.00008.

Submission:

PreventionGenetics, part of Exact Sciences
Classification: Uncertain significance for HSPA1L-related condition. Last evaluated: 2024-01-24. Review status: no assertion criteria provided. Collection method: clinical testing. Allele origin: germline.
Comment: The HSPA1L c.220delC variant is predicted to result in a frameshift and premature protein termination (p.Arg74Valfs*2). To our knowledge, this variant has not been reported in the literature or in a large population database, indicating this variant is rare. Of note, not many loss of function variants have been reported in the HSPA1L gene. At this time, the clinical significance of this variant is uncertain due to the absence of conclusive functional and genetic evidence.